The following is an entry in ClinVar:

ClinVar aggregate classification (germline): Pathogenic (1 of 4 stars; one submission).

Submission:

CeGaT Center for Human Genetics Tuebingen
Classification: Pathogenic. Last evaluated: 2023-02-01. Review status: criteria provided, single submitter. Criteria: CeGaT Center For Human Genetics Tuebingen Variant Classification Criteria Version 2. Collection method: clinical testing. Allele origin: germline. Affected: yes. Observed: 1 variant allele.
Comment: POLG: PVS1, PM2

NM_002693.3(POLG):c.3070del (p.Asp1024fs)

Gene: POLG (DNA polymerase gamma, catalytic subunit; minus strand). Cytogenetic location: 15q26.1.
Variant type: Deletion.
Coding change: c.3070del on transcript NM_002693.3 (MANE Select); coding-DNA position 3070, one base deleted (G; older notation c.3070delG).
Protein change: p.Asp1024fs; shifts the reading frame from aspartic acid 1024.
Molecular consequence: frameshift variant.
Genome position (GRCh38, 1-based): chr15:89,319,262, C deleted on the plus strand (G on the coding strand, the reverse complement: POLG is on the minus strand); the first of 2 consecutive C bases (chr15:89,319,262-89,319,263); deleting either gives the same sequence. VCF-style (leftmost placement, unchanged base first): chr15-89319261-TC-T. GRCh37 (hg19) VCF-style: chr15-89862492-TC-T.
Other names: c.3070del, p.Asp1024fs (NM_001126131.2); short protein forms D1024fs.
Identifiers: ClinVar variation 2498624 (VCV002498624.28), dbSNP rs2509210136, ClinGen allele CA2580090215.